The following is an entry in ClinVar:

ClinVar aggregate classification (germline): Uncertain significance. Review status: criteria provided, multiple submitters, no conflicts (2 of 4 stars). 3 submissions from 3 submitters: Uncertain significance (3). Last evaluated 2025-11-03.

Conditions:
Inborn genetic diseases. Identifiers: MedGen C0950123, MeSH D030342.
Growth hormone insensitivity with immune dysregulation 1, autosomal recessive. Also called: Laron syndrome with immunodeficiency; GROWTH HORMONE INSENSITIVITY SYNDROME WITH IMMUNE DYSREGULATION 1, AUTOSOMAL RECESSIVE; GROWTH HORMONE INSENSITIVITY DUE TO POSTRECEPTOR DEFECT; LARON SYNDROME DUE TO POSTRECEPTOR DEFECT. Identifiers: Orphanet 220465, MedGen C5435698, MONDO:0100211, OMIM 245590.

Allele frequency attached by ClinVar (database versions not stated): TOPMed below 0.00001; gnomAD exomes 0.00001.
gnomAD v4.1: 3 of 1,614,218 alleles (0.00019%); highest among the groups gnomAD compares: Non-Finnish European, 0.00025%; no homozygotes.

Submissions (3):

Ambry Genetics
Classification: Uncertain significance for Inborn genetic diseases. Last evaluated: 2025-11-03. Review status: criteria provided, single submitter. Criteria: Ambry Variant Classification Scheme 2023. Collection method: clinical testing. Allele origin: germline.

Labcorp Genetics (formerly Invitae), Labcorp
Classification: Uncertain significance for Growth hormone insensitivity with immune dysregulation 1, autosomal recessive. Last evaluated: 2024-10-24. Review status: criteria provided, single submitter. Criteria: Invitae Variant Classification Sherloc (09022015). Collection method: clinical testing. Allele origin: germline.
Comment: This sequence change replaces phenylalanine, which is neutral and non-polar, with cysteine, which is neutral and slightly polar, at codon 416 of the STAT5B protein (p.Phe416Cys). This variant is not present in population databases (gnomAD no frequency). This variant has not been reported in the literature in individuals affected with STAT5B-related conditions. ClinVar contains an entry for this variant (Variation ID: 1678070). Invitae Evidence Modeling of protein sequence and biophysical properties (such as structural, functional, and spatial information, amino acid conservation, physicochemical variation, residue mobility, and thermodynamic stability) indicates that this missense variant is expected to disrupt STAT5B protein function with a positive predictive value of 80%. In summary, the available evidence is currently insufficient to determine the role of this variant in disease. Therefore, it has been classified as a Variant of Uncertain Significance.

AiLife Diagnostics
Classification: Uncertain significance. Last evaluated: 2022-03-22. Review status: criteria provided, single submitter. Criteria: ACMG Guidelines, 2015. Collection method: clinical testing. Allele origin: germline. Affected: yes. Observed: 1 variant allele.

NM_012448.4(STAT5B):c.1247T>G (p.Phe416Cys)

Gene: STAT5B (signal transducer and activator of transcription 5B; minus strand). Cytogenetic location: 17q21.2.
Variant type: single nucleotide variant.
Coding change: c.1247T>G on transcript NM_012448.4 (MANE Select); coding-DNA position 1247, T replaced by G.
Protein change: p.Phe416Cys; replaces phenylalanine 416 with cysteine.
Molecular consequence: missense variant.
Genome position (GRCh38, 1-based): chr17:42,217,387, A>C on the plus strand (T>G on the coding strand, the complement: STAT5B is on the minus strand). VCF-style: chr17-42217387-A-C. GRCh37 (hg19) VCF-style: chr17-40369405-A-C.
Other names: c.1247T>G (NM_012448.3); short protein forms F416C.
Identifiers: ClinVar variation 1678070 (VCV001678070.7), dbSNP rs2080181180, ClinGen allele CA399581691.